The following is an entry in ClinVar:

ClinVar aggregate classification (germline): Uncertain significance. Review status: criteria provided, multiple submitters, no conflicts (2 of 4 stars). 2 submissions from 2 submitters: Uncertain significance (2). Last evaluated 2025-05-18.

Conditions:
Cardiovascular phenotype. Identifiers: MedGen CN230736.
Hereditary cancer-predisposing syndrome. Also called: Hereditary Cancer Syndrome; Hereditary neoplastic syndrome; Neoplastic Syndromes, Hereditary; Tumor predisposition. Identifiers: Orphanet 140162, MedGen C0027672, MeSH D009386, MONDO:0015356.

Allele frequency attached by ClinVar (database versions not stated): TOPMed 0.00001; ExAC 0.00003; ESP Exome Variant Server 0.00008.
gnomAD v4.1: 3 of 1,609,926 alleles (0.00019%); highest among the groups gnomAD compares: Non-Finnish European, 0.00025%; no homozygotes.

Submissions (2):

Labcorp Genetics (formerly Invitae), Labcorp
Classification: Uncertain significance. Last evaluated: 2025-05-18. Review status: criteria provided, single submitter. Criteria: Invitae Variant Classification Sherloc (09022015). Collection method: clinical testing. Allele origin: germline.
Comment: This sequence change replaces threonine, which is neutral and polar, with methionine, which is neutral and non-polar, at codon 406 of the LZTR1 protein (p.Thr406Met). The frequency data for this variant in the population databases is considered unreliable, as metrics indicate poor data quality at this position in the gnomAD database. This variant has not been reported in the literature in individuals affected with LZTR1-related conditions. ClinVar contains an entry for this variant (Variation ID: 1751940). Invitae Evidence Modeling of protein sequence and biophysical properties (such as structural, functional, and spatial information, amino acid conservation, physicochemical variation, residue mobility, and thermodynamic stability) indicates that this missense variant is not expected to disrupt LZTR1 protein function with a negative predictive value of 80%. In summary, the available evidence is currently insufficient to determine the role of this variant in disease. Therefore, it has been classified as a Variant of Uncertain Significance.

Ambry Genetics
Classification: Uncertain significance for Cardiovascular phenotype; Hereditary cancer-predisposing syndrome. Last evaluated: 2025-04-08. Review status: criteria provided, single submitter. Criteria: Ambry Variant Classification Scheme 2023. Collection method: clinical testing. Allele origin: germline.
Comment: The p.T406M variant (also known as c.1217C>T), located in coding exon 11 of the LZTR1 gene, results from a C to T substitution at nucleotide position 1217. The threonine at codon 406 is replaced by methionine, an amino acid with similar properties. This amino acid position is highly conserved in available vertebrate species. In addition, the in silico prediction for this alteration is inconclusive. Based on the available evidence, the clinical significance of this variant remains unclear.

NM_006767.4(LZTR1):c.1217C>T (p.Thr406Met)

Gene: LZTR1 (leucine zipper like post translational regulator 1; plus strand). Cytogenetic location: 22q11.21.
Variant type: single nucleotide variant.
Coding change: c.1217C>T on transcript NM_006767.4 (MANE Select); coding-DNA position 1217, C replaced by T.
Protein change: p.Thr406Met; replaces threonine 406 with methionine.
Molecular consequence: missense variant.
Genome position (GRCh38, 1-based): chr22:20,992,861, C>T. VCF-style: chr22-20992861-C-T. GRCh37 (hg19) VCF-style: chr22-21347150-C-T.
Other names: short protein forms T406M.
Identifiers: ClinVar variation 1751940 (VCV001751940.5), dbSNP rs375451574, ClinGen allele CA10118764.